The following is an entry in ClinVar:

ClinVar aggregate classification (germline): Uncertain significance (1 of 4 stars; one submission).

Allele frequency attached by ClinVar (database versions not stated): gnomAD exomes below 0.00001.

Submission:

Labcorp Genetics (formerly Invitae), Labcorp
Classification: Uncertain significance. Last evaluated: 2023-08-17. Review status: criteria provided, single submitter. Criteria: Invitae Variant Classification Sherloc (09022015). Collection method: clinical testing. Allele origin: germline.
Comment: This sequence change creates a premature translational stop signal (p.Glu8Valfs*28) in the MAPKAPK3 gene. It is expected to result in an absent or disrupted protein product. However, the current clinical and genetic evidence is not sufficient to establish whether loss-of-function variants in MAPKAPK3 cause disease. This variant is not present in population databases (gnomAD no frequency). This variant has not been reported in the literature in individuals affected with MAPKAPK3-related conditions. In summary, the available evidence is currently insufficient to determine the role of this variant in disease. Therefore, it has been classified as a Variant of Uncertain Significance.

NM_001243925.2(MAPKAPK3):c.23_35del (p.Glu8fs)

Gene: MAPKAPK3 (MAPK activated protein kinase 3; plus strand). Cytogenetic location: 3p21.2.
Variant type: Deletion.
Coding change: c.23_35del on transcript NM_001243925.2 (MANE Select); coding-DNA positions 23 to 35, 13 bases deleted (AGCAGGGGGGCCC).
Protein change: p.Glu8fs; shifts the reading frame from glutamic acid 8.
Molecular consequence: frameshift variant.
Genome position (GRCh38, 1-based): chr3:50,617,588-50,617,600, AGCAGGGGGGCCC deleted. VCF-style (leftmost placement, unchanged base first): chr3-50617587-GAGCAGGGGGGCCC-G. GRCh37 (hg19) VCF-style: chr3-50655018-GAGCAGGGGGGCCC-G.
Other names: c.23_35del, p.Glu8fs (NM_001243926.2, NM_004635.5); short protein forms E8fs.
Identifiers: ClinVar variation 2753274 (VCV002753274.3), dbSNP rs2471665187, ClinGen allele CA2665880147.